The following is an entry in ClinVar:

ClinVar aggregate classification (germline): Uncertain significance. Review status: criteria provided, multiple submitters, no conflicts (2 of 4 stars). 2 submissions from 2 submitters: Uncertain significance (2). Last evaluated 2025-02-13.

Conditions:
Familial adenomatous polyposis 1 (FAP1). Also called: FAMILIAL ADENOMATOUS POLYPOSIS 1, ATTENUATED; POLYPOSIS, ADENOMATOUS INTESTINAL. Identifiers: MedGen C2713442, MONDO:0021056, OMIM 175100. Disease mechanism: loss of function.
Hereditary cancer-predisposing syndrome. Also called: Tumor predisposition; Hereditary Cancer Syndrome; Hereditary neoplastic syndrome; Neoplastic Syndromes, Hereditary. Identifiers: Orphanet 140162, MedGen C0027672, MeSH D009386, MONDO:0015356.

Submissions (2):

Labcorp Genetics (formerly Invitae), Labcorp
Classification: Uncertain significance for Familial adenomatous polyposis 1. Last evaluated: 2025-02-13. Review status: criteria provided, single submitter. Criteria: Invitae Variant Classification Sherloc (09022015). Collection method: clinical testing. Allele origin: germline.
Comment: This sequence change replaces glutamine, which is neutral and polar, with arginine, which is basic and polar, at codon 789 of the APC protein (p.Gln789Arg). This variant is not present in population databases (gnomAD no frequency). This variant has not been reported in the literature in individuals affected with APC-related conditions. ClinVar contains an entry for this variant (Variation ID: 3304619). Invitae Evidence Modeling of protein sequence and biophysical properties (such as structural, functional, and spatial information, amino acid conservation, physicochemical variation, residue mobility, and thermodynamic stability) indicates that this missense variant is not expected to disrupt APC protein function with a negative predictive value of 95%. In summary, the available evidence is currently insufficient to determine the role of this variant in disease. Therefore, it has been classified as a Variant of Uncertain Significance.

Ambry Genetics
Classification: Uncertain significance for Hereditary cancer-predisposing syndrome. Last evaluated: 2024-04-11. Review status: criteria provided, single submitter. Criteria: Ambry Variant Classification Scheme 2023. Collection method: clinical testing. Allele origin: germline.
Comment: The p.Q789R variant (also known as c.2366A>G), located in coding exon 15 of the APC gene, results from an A to G substitution at nucleotide position 2366. The glutamine at codon 789 is replaced by arginine, an amino acid with highly similar properties. This amino acid position is conserved. In addition, in silico predictors for this gene do not accurately predict pathogenicity. Based on the available evidence, the clinical significance of this variant remains unclear.

NM_000038.6(APC):c.2366A>G (p.Gln789Arg)

Gene: APC (APC regulator of Wnt signaling pathway; plus strand). Cytogenetic location: 5q22.2.
Variant type: single nucleotide variant.
Coding change: c.2366A>G on transcript NM_000038.6 (MANE Select); coding-DNA position 2366, A replaced by G.
Protein change: p.Gln789Arg; replaces glutamine 789 with arginine.
Molecular consequence: missense variant. On other transcripts: non-coding transcript variant (2).
Genome position (GRCh38, 1-based): chr5:112,837,960, A>G. VCF-style: chr5-112837960-A-G. GRCh37 (hg19) VCF-style: chr5-112173657-A-G.
Other names: c.2366A>G, p.Gln789Arg (NM_001127510.3, NM_001354895.2, NM_001407450.1); c.2312A>G, p.Gln771Arg (NM_001127511.3); c.2420A>G, p.Gln807Arg (NM_001354896.2, NM_001407447.1, NM_001407448.1 and 1 more transcripts); c.2396A>G, p.Gln799Arg (NM_001354897.2); c.2345A>G, p.Gln782Arg (NM_001407451.1); c.2336A>G, p.Gln779Arg (NM_001407452.1); c.2189A>G, p.Gln730Arg (NM_001407453.1, NM_001354901.2); c.2117A>G, p.Gln706Arg (NM_001407454.1, NM_001407455.1, NM_001407456.1 and 1 more transcripts); and 11 more; short protein forms Q506R, Q660R, Q698R, Q706R, Q779R, Q789R, Q799R, Q663R.
Identifiers: ClinVar variation 3304619 (VCV003304619.3).